The following is an entry in ClinVar:

ClinVar aggregate classification (germline): Uncertain significance. Review status: criteria provided, multiple submitters, no conflicts (2 of 4 stars). 2 submissions from 2 submitters: Uncertain significance (2). Last evaluated 2025-05-01.

Conditions:
Perrault syndrome. Also called: Gonadal dysgenesis with auditory dysfunction, autosomal recessive inheritance. Identifiers: Orphanet 2855, MedGen C0685838, MONDO:0017312.
Bifunctional peroxisomal enzyme deficiency (DBIF). Also called: D-bifunctional protein deficiency; DBP DEFICIENCY; PBFE DEFICIENCY. Identifiers: Orphanet 300, MedGen C0342870, MONDO:0009855, OMIM 261515. Disease mechanism: loss of function.
Inborn genetic diseases. Identifiers: MedGen C0950123, MeSH D030342.

gnomAD v4.1: 1 of 1,595,716 alleles (0.000063%); highest among the groups gnomAD compares: Non-Finnish European, 0.000086%; no homozygotes.

Submissions (2):

Ambry Genetics
Classification: Uncertain significance for Inborn genetic diseases. Last evaluated: 2025-05-01. Review status: criteria provided, single submitter. Criteria: Ambry Variant Classification Scheme 2023. Collection method: clinical testing. Allele origin: germline.

Labcorp Genetics (formerly Invitae), Labcorp
Classification: Uncertain significance for Perrault syndrome; Bifunctional peroxisomal enzyme deficiency. Last evaluated: 2021-08-26. Review status: criteria provided, single submitter. Criteria: Invitae Variant Classification Sherloc (09022015). Collection method: clinical testing. Allele origin: germline.
Comment: This sequence change replaces arginine with isoleucine at codon 92 of the HSD17B4 protein (p.Arg92Ile). The arginine residue is highly conserved and there is a moderate physicochemical difference between arginine and isoleucine. This variant is present in population databases (rs754108630, ExAC 0.001%). This variant has not been reported in the literature in individuals affected with HSD17B4-related conditions. Advanced modeling of protein sequence and biophysical properties (such as structural, functional, and spatial information, amino acid conservation, physicochemical variation, residue mobility, and thermodynamic stability) performed at Invitae indicates that this missense variant is expected to disrupt HSD17B4 protein function. In summary, the available evidence is currently insufficient to determine the role of this variant in disease. Therefore, it has been classified as a Variant of Uncertain Significance.

NM_000414.4(HSD17B4):c.275G>T (p.Arg92Ile)

Gene: HSD17B4 (hydroxysteroid 17-beta dehydrogenase 4; plus strand). Cytogenetic location: 5q23.1.
Variant type: single nucleotide variant.
Coding change: c.275G>T on transcript NM_000414.4 (MANE Select); coding-DNA position 275, G replaced by T.
Protein change: p.Arg92Ile; replaces arginine 92 with isoleucine.
Molecular consequence: missense variant. On other transcripts: 5 prime UTR variant (6), non-coding transcript variant (2).
Genome position (GRCh38, 1-based): chr5:119,474,455, G>T. VCF-style: chr5-119474455-G-T. GRCh37 (hg19) VCF-style: chr5-118810150-G-T.
Other names: c.350G>T, p.Arg117Ile (NM_001199291.3); c.221G>T, p.Arg74Ile (NM_001199292.2); c.203G>T, p.Arg68Ile (NM_001292027.2); c.-137G>T (NM_001292028.2, NM_001374501.1, NM_001374502.1 and 1 more transcripts); c.275G>T, p.Arg92Ile (NM_001374497.1, NM_001374498.1); c.-6G>T (NM_001374499.1); c.-264G>T (NM_001374500.1); c.275G>T (NM_000414.3); short protein forms R74I, R117I, R68I, R92I.
Identifiers: ClinVar variation 1482126 (VCV001482126.4), dbSNP rs754108630, ClinGen allele CA3381740.